The following is an entry in ClinVar:

ClinVar aggregate classification (germline): Uncertain significance (1 of 4 stars; one submission).

Conditions:
Retinitis pigmentosa (RP). Identifiers: Orphanet 791, MedGen C0035334, MeSH D012174, MONDO:0019200, OMIM 268000. Inheritance: Autosomal dominant, autosomal recessive and X linked inheritance.

Submission:

SN ONGC Dept of Genetics and Molecular biology Vision Research Foundation
Classification: Uncertain significance for Retinitis pigmentosa. Last evaluated: 2024-12-11. Review status: criteria provided, single submitter. Criteria: ACMG Guidelines, 2015. Collection method: research. Allele origin: germline. Inheritance: Autosomal recessive inheritance. Affected: yes. Observed: 1 homozygote.
Comment: The c.211A>G variant in RDH12 reported in one family in homozygous state. This variant not reported in ExAC nor in 1000Genome. The variant was absent in 100 healthy controls screened. Due to lack of literature the variant is classified as Variant of uncertain significance (VUS)

NM_152443.3(RDH12):c.211A>G (p.Arg71Gly)

Genes: GPHN (gephyrin; plus strand), RDH12 (retinol dehydrogenase 12; plus strand). Cytogenetic location: 14q24.1.
Variant type: single nucleotide variant.
Coding change: c.211A>G on transcript NM_152443.3 (MANE Select); coding-DNA position 211, A replaced by G.
Protein change: p.Arg71Gly; replaces arginine 71 with glycine.
Molecular consequence: missense variant.
Genome position (GRCh38, 1-based): chr14:67,725,122, A>G. VCF-style: chr14-67725122-A-G. GRCh37 (hg19) VCF-style: chr14-68191839-A-G.
Other names: short protein forms R71G.
Identifiers: ClinVar variation 3390373 (VCV003390373.2).